The following is an entry in ClinVar:

ClinVar aggregate classification (germline): Conflicting classifications of pathogenicity. Review status: criteria provided, conflicting classifications (1 of 4 stars). 6 submissions from 5 submitters: Uncertain significance (3); Likely benign (3). Last evaluated 2026-01-05.

Conditions:
Blepharophimosis - intellectual disability syndrome, SBBYS type (SBBYSS). Also called: SBBYSS syndrome; Ohdo syndrome, SBBYS variant; Say-Barber-Biesecker-Young-Simpson variant of Ohdo Syndrome; Say-Barber-Biesecker Variant of Ohdo Syndrome; Say-Barber-Biesecker-Young-Simpson syndrome; Say-Barber-Biesecker variant of Ohdo syndrome (SBBYSS). Identifiers: Orphanet 3047, MedGen C1863557, MONDO:0011365, OMIM 603736.
Genitopatellar syndrome (GTPTS). Also called: Genitopatellar syndrome (GPS); ABSENT PATELLAE, SCROTAL HYPOPLASIA, RENAL ANOMALIES, FACIAL DYSMORPHISM, AND MENTAL RETARDATION. Identifiers: Orphanet 85201, MedGen C1853566, MONDO:0011640, OMIM 606170.
Macrocephaly. Also called: Macrocephalus; large head. Identifiers: MedGen C2243051, HP:0000256.
Joint laxity. Identifiers: MedGen C0086437.
Delayed speech and language development. Also called: Language delay. Identifiers: MedGen C0454644, HP:0000750.
Seizure. Also called: Seizures. Identifiers: MedGen C0036572, HP:0001250.
Generalized joint hypermobility. Also called: Generalized joint laxity. Identifiers: MedGen C1836308, HP:0002761.
Inborn genetic diseases. Identifiers: MedGen C0950123, MeSH D030342.

Allele frequency attached by ClinVar (database versions not stated): ExAC 0.00006; gnomAD exomes 0.00006; TOPMed 0.00006; gnomAD 0.00007.
gnomAD v4.1: 70 of 1,614,014 alleles (0.0043%); highest among the groups gnomAD compares: Middle Eastern, 0.016%; no homozygotes.

Submissions (6):

Labcorp Genetics (formerly Invitae), Labcorp
Classification: Uncertain significance for Genitopatellar syndrome. Last evaluated: 2026-01-05. Review status: criteria provided, single submitter. Criteria: Invitae Variant Classification Sherloc (09022015). Collection method: clinical testing. Allele origin: germline.
Comment: This sequence change replaces methionine, which is neutral and non-polar, with leucine, which is neutral and non-polar, at codon 643 of the KAT6B protein (p.Met643Leu). This variant is present in population databases (rs778899637, gnomAD 0.01%). This variant has not been reported in the literature in individuals affected with KAT6B-related conditions. ClinVar contains an entry for this variant (Variation ID: 300869). An algorithm developed to predict the effect of missense changes on protein structure and function (PolyPhen-2) suggests that this variant is likely to be tolerated. In summary, the available evidence is currently insufficient to determine the role of this variant in disease. Therefore, it has been classified as a Variant of Uncertain Significance.

Ambry Genetics
Classification: Likely benign for Inborn genetic diseases. Last evaluated: 2025-08-29. Review status: criteria provided, single submitter. Criteria: Ambry Variant Classification Scheme 2023. Collection method: clinical testing. Allele origin: germline.

CeGaT Center for Human Genetics Tuebingen
Classification: Likely benign. Last evaluated: 2025-02-01. Review status: criteria provided, single submitter. Criteria: CeGaT Center For Human Genetics Tuebingen Variant Classification Criteria Version 2. Collection method: clinical testing. Allele origin: germline. Affected: yes. Observed: 1 variant allele.
Comment: KAT6B: BS2

Blueprint Genetics
Classification: Likely benign. Last evaluated: 2024-11-15. Review status: criteria provided, single submitter. Criteria: ACMG Guidelines, 2015. Collection method: clinical testing. Allele origin: germline.

Centre for Mendelian Genomics, University Medical Centre Ljubljana
Classification: Uncertain significance for Delayed speech and language development; Generalized joint hypermobility; Joint hypermobility; Macrocephaly; Seizure. Last evaluated: 2017-01-01. Review status: criteria provided, single submitter. Criteria: ACMG Guidelines, 2015. Collection method: clinical testing. Allele origin: unknown. Affected: yes.

Centre for Mendelian Genomics, University Medical Centre Ljubljana
Classification: Uncertain significance for Blepharophimosis - intellectual disability syndrome, SBBYS type. Last evaluated: 2016-01-01. Review status: criteria provided, single submitter. Criteria: ACMG Guidelines, 2015. Collection method: clinical testing. Allele origin: unknown. Affected: yes.
Comment: This variant was classified as: Uncertain significance.

NM_012330.4(KAT6B):c.1927A>T (p.Met643Leu)

Gene: KAT6B (lysine acetyltransferase 6B; plus strand). Cytogenetic location: 10q22.2.
Variant type: single nucleotide variant.
Coding change: c.1927A>T on transcript NM_012330.4 (MANE Select); coding-DNA position 1927, A replaced by T.
Protein change: p.Met643Leu; replaces methionine 643 with leucine.
Molecular consequence: missense variant. On other transcripts: intron variant (13).
Genome position (GRCh38, 1-based): chr10:74,976,264, A>T. VCF-style: chr10-74976264-A-T. GRCh37 (hg19) VCF-style: chr10-76736022-A-T.
Other names: c.1927A>T (NM_012330.2); c.1927A>T, p.Met643Leu (NM_001370136.1, NM_001370137.1); c.1117+810A>T (NM_001370139.1, NM_001370140.1, NM_001370141.1 and 3 more transcripts); c.1444+483A>T (NM_001370138.1, NM_001256468.2); c.846+6489A>T (NM_001370133.1); c.193-2960A>T (NM_001370134.1); c.929-1052A>T (NM_001370143.1, NM_001370144.1); c.193-12755A>T (NM_001370135.1); short protein forms M643L.
Identifiers: ClinVar variation 300869 (VCV000300869.25), dbSNP rs778899637, ClinGen allele CA5564485.